The following is an entry in ClinVar:

Conditions:
Arteriohepatic dysplasia. Also called: Alagille Syndrome. Identifiers: Orphanet 52, MedGen C0085280, MeSH D016738, MONDO:0007318.

Submission:

Gilbert/Spinner Lab, Children's Hospital of Philadelphia
No classification provided (evidence only). Condition: Alagille syndrome. Review status: no classification provided. Collection method: research. Allele origin: not applicable. Functional consequence: functionally_abnormal.
ClinVar note: "not provided" was previously submitted as the classification for the variant. However, the classification appeared to be based only on an observation of functional data so it was converted to no classification on 2025-07-30.

NM_000214.3(JAG1):c.801A>T (p.Pro267=)

Gene: JAG1 (jagged canonical Notch ligand 1; minus strand). Cytogenetic location: 20p12.2.
Variant type: single nucleotide variant.
Coding change: c.801A>T on transcript NM_000214.3 (MANE Select); coding-DNA position 801, A replaced by T.
Protein change: p.Pro267=; no amino-acid change (proline 267 retained).
Molecular consequence: synonymous variant.
Genome position (GRCh38, 1-based): chr20:10,652,553, T>A on the plus strand (A>T on the coding strand, the complement: JAG1 is on the minus strand). VCF-style: chr20-10652553-T-A. GRCh37 (hg19) VCF-style: chr20-10633201-T-A.
Identifiers: ClinVar variation 3573377 (VCV003573377.2).